The following is an entry in ClinVar:

ClinVar aggregate classification (germline): Uncertain significance (1 of 4 stars; one submission).

Submission:

Labcorp Genetics (formerly Invitae), Labcorp
Classification: Uncertain significance. Last evaluated: 2024-08-31. Review status: criteria provided, single submitter. Criteria: Invitae Variant Classification Sherloc (09022015). Collection method: clinical testing. Allele origin: germline.
Comment: This sequence change replaces isoleucine, which is neutral and non-polar, with methionine, which is neutral and non-polar, at codon 759 of the EEF2 protein (p.Ile759Met). This variant is not present in population databases (gnomAD no frequency). This variant has not been reported in the literature in individuals affected with EEF2-related conditions. Invitae Evidence Modeling of protein sequence and biophysical properties (such as structural, functional, and spatial information, amino acid conservation, physicochemical variation, residue mobility, and thermodynamic stability) indicates that this missense variant is expected to disrupt EEF2 protein function with a positive predictive value of 80%. In summary, the available evidence is currently insufficient to determine the role of this variant in disease. Therefore, it has been classified as a Variant of Uncertain Significance.

NM_001961.4(EEF2):c.2277C>G (p.Ile759Met)

Gene: EEF2 (eukaryotic translation elongation factor 2; minus strand). Cytogenetic location: 19p13.3.
Variant type: single nucleotide variant.
Coding change: c.2277C>G on transcript NM_001961.4 (MANE Select); coding-DNA position 2277, C replaced by G.
Protein change: p.Ile759Met; replaces isoleucine 759 with methionine.
Molecular consequence: missense variant.
Genome position (GRCh38, 1-based): chr19:3,977,321, G>C on the plus strand (C>G on the coding strand, the complement: EEF2 is on the minus strand). VCF-style: chr19-3977321-G-C. GRCh37 (hg19) VCF-style: chr19-3977319-G-C.
Other names: short protein forms I759M.
Identifiers: ClinVar variation 3664089 (VCV003664089.2).